The following is an entry in ClinVar:

ClinVar aggregate classification (germline): Uncertain significance (1 of 4 stars; one submission).

gnomAD v4.1: 4 of 1,614,108 alleles (0.00025%); highest among the groups gnomAD compares: African/African-American, 0.004%; no homozygotes.

Submission:

Labcorp Genetics (formerly Invitae), Labcorp
Classification: Uncertain significance. Last evaluated: 2024-11-17. Review status: criteria provided, single submitter. Criteria: Invitae Variant Classification Sherloc (09022015). Collection method: clinical testing. Allele origin: germline.
Comment: This sequence change replaces glutamine, which is neutral and polar, with glutamic acid, which is acidic and polar, at codon 872 of the IGF1R protein (p.Gln872Glu). This variant is present in population databases (rs200208883, gnomAD 0.007%). This variant has not been reported in the literature in individuals affected with IGF1R-related conditions. Invitae Evidence Modeling of protein sequence and biophysical properties (such as structural, functional, and spatial information, amino acid conservation, physicochemical variation, residue mobility, and thermodynamic stability) indicates that this missense variant is not expected to disrupt IGF1R protein function with a negative predictive value of 80%. In summary, the available evidence is currently insufficient to determine the role of this variant in disease. Therefore, it has been classified as a Variant of Uncertain Significance.

NM_000875.5(IGF1R):c.2614C>G (p.Gln872Glu)

Gene: IGF1R (insulin like growth factor 1 receptor; plus strand). Cytogenetic location: 15q26.3.
Variant type: single nucleotide variant.
Coding change: c.2614C>G on transcript NM_000875.5 (MANE Select); coding-DNA position 2614, C replaced by G.
Protein change: p.Gln872Glu; replaces glutamine 872 with glutamic acid.
Molecular consequence: missense variant.
Genome position (GRCh38, 1-based): chr15:98,924,004, C>G. VCF-style: chr15-98924004-C-G. GRCh37 (hg19) VCF-style: chr15-99467233-C-G.
Other names: c.2614C>G, p.Gln872Glu (NM_001291858.2); short protein forms Q872E.
Identifiers: ClinVar variation 3697272 (VCV003697272.2).
Genomic context (GRCh38, chr15:98,924,004, plus strand): 5'-TGGCCGGAACCTGAGAATCCCAATGGATTGATTCTAATGTATGAAATAAAATACGGATCA[C>G]AAGTTGAGGTAGGACTGGGGCAGTGGCCCGTGCCTGCATGTACTTCCATCCATTGACAGC-3'
Protein context (NP_000866.1, residues 862-882): ILMYEIKYGS[Gln872Glu]VEDQRECVSR